The following is an entry in ClinVar:

NM_032531.4(KIRREL3):c.1732C>T (p.Arg578Ter)

Gene: KIRREL3 (kirre like nephrin family adhesion molecule 3; minus strand). Cytogenetic location: 11q24.2.
Variant type: single nucleotide variant.
Coding change: c.1732C>T on transcript NM_032531.4 (MANE Select); coding-DNA position 1732, C replaced by T.
Protein change: p.Arg578Ter; replaces arginine 578 with a stop codon.
Molecular consequence: nonsense.
Genome position (GRCh38, 1-based): chr11:126,429,253, G>A on the plus strand (C>T on the coding strand, the complement: KIRREL3 is on the minus strand). VCF-style: chr11-126429253-G-A. GRCh37 (hg19) VCF-style: chr11-126299148-G-A.
Other names: c.1696C>T, p.Arg566Ter (NM_001301097.2); short protein forms R566*, R578*.
Identifiers: ClinVar variation 3366618 (VCV003366618.1).

ClinVar aggregate classification (germline): Uncertain significance (1 of 4 stars; one submission).

gnomAD v4.1: 2 of 1,613,782 alleles (0.00012%); highest among the groups gnomAD compares: Non-Finnish European, 0.00017%; no homozygotes.

Submission:

Women's Health and Genetics/Laboratory Corporation of America, LabCorp
Classification: Uncertain significance. Last evaluated: 2024-08-23. Review status: criteria provided, single submitter. Criteria: LabCorp Variant Classification Summary - May 2015. Collection method: clinical testing. Allele origin: germline.
Comment: Variant summary: KIRREL3 c.1732C>T (p.Arg578X) results in a premature termination codon, predicted to cause a truncation of the encoded protein or absence of the protein due to nonsense mediated decay, however current evidence is not sufficient to establish loss of function as a mechanism for disease. The variant was absent in 249240 control chromosomes. The available data on variant occurrences in the general population are insufficient to allow any conclusion about variant significance. To our knowledge, no occurrence of c.1732C>T in individuals affected with Intellectual Disability, Autosomal Dominant 4 and no experimental evidence demonstrating its impact on protein function have been reported. No submitters have cited clinical-significance assessments for this variant to ClinVar. Based on the evidence outlined above, the variant was classified as uncertain significance.